The following is an entry in ClinVar:

ClinVar aggregate classification (germline): Pathogenic (1 of 4 stars; one submission).

Submission:

Labcorp Genetics (formerly Invitae), Labcorp
Classification: Pathogenic. Last evaluated: 2023-03-21. Review status: criteria provided, single submitter. Criteria: Invitae Variant Classification Sherloc (09022015). Collection method: clinical testing. Allele origin: germline.
Comment: This sequence change creates a premature translational stop signal (p.Asp30Thrfs*57) in the GDF5 gene. It is expected to result in an absent or disrupted protein product. Loss-of-function variants in GDF5 are known to be pathogenic (PMID: 8589725, 9288091, 12121354, 12357473, 27577507). This variant is not present in population databases (gnomAD no frequency). This variant has not been reported in the literature in individuals affected with GDF5-related conditions. For these reasons, this variant has been classified as Pathogenic.

Literature cited by the submitters: PubMed 8589725; PubMed 9288091; PubMed 12121354; PubMed 12357473; PubMed 27577507.

NM_000557.5(GDF5):c.87del (p.Asp30fs)

Gene: GDF5 (growth differentiation factor 5; minus strand). Cytogenetic location: 20q11.22.
Variant type: Deletion.
Coding change: c.87del on transcript NM_000557.5 (MANE Select); coding-DNA position 87, one base deleted (T; older notation c.87delT).
Protein change: p.Asp30fs; shifts the reading frame from aspartic acid 30.
Molecular consequence: frameshift variant.
Genome position (GRCh38, 1-based): chr20:35,437,842, A deleted on the plus strand (T on the coding strand, the reverse complement: GDF5 is on the minus strand). VCF-style (leftmost placement, unchanged base first): chr20-35437841-CA-C. GRCh37 (hg19) VCF-style: chr20-34025621-CA-C.
Other names: c.87del, p.Asp30fs (NM_001319138.2); short protein forms D30fs.
Identifiers: ClinVar variation 2841315 (VCV002841315.3), dbSNP rs2515427372, ClinGen allele CA2739277134.